The following is an entry in ClinVar:

ClinVar aggregate classification (germline): Conflicting classifications of pathogenicity. Review status: criteria provided, conflicting classifications (1 of 4 stars). 6 submissions from 6 submitters: Pathogenic (1); Likely pathogenic (3); Uncertain significance (1). 1 of the submissions does not count toward it. Last evaluated 2025-06-26.

Conditions:
Glutaric aciduria, type 1. Also called: GA I; Glutaryl-CoA dehydrogenase deficiency; Glutaric acidemia type I; Glutaricacidemia Type 1; Glutaricaciduria, type I; Glutaric Acidemia Type 1. Identifiers: Orphanet 25, MedGen C0268595, MONDO:0009281, OMIM 231670.

Allele frequency attached by ClinVar (database versions not stated): gnomAD exomes below 0.00001.

Submissions (6):

Labcorp Genetics (formerly Invitae), Labcorp
Classification: Pathogenic for Glutaric aciduria, type 1. Last evaluated: 2025-06-26. Review status: criteria provided, single submitter. Criteria: Invitae Variant Classification Sherloc (09022015). Collection method: clinical testing. Allele origin: germline.
Comment: This sequence change replaces threonine, which is neutral and polar, with alanine, which is neutral and non-polar, at codon 214 of the GCDH protein (p.Thr214Ala). This variant is not present in population databases (gnomAD no frequency). This missense change has been observed in individual(s) with glutaric aciduria type I (PMID: 22728054, 24332224). ClinVar contains an entry for this variant (Variation ID: 551561). Invitae Evidence Modeling of protein sequence and biophysical properties (such as structural, functional, and spatial information, amino acid conservation, physicochemical variation, residue mobility, and thermodynamic stability) indicates that this missense variant is expected to disrupt GCDH protein function with a positive predictive value of 80%. This variant disrupts the p.Thr214 amino acid residue in GCDH. Other variant(s) that disrupt this residue have been determined to be pathogenic (PMID: 19433437, 30217722). This suggests that this residue is clinically significant, and that variants that disrupt this residue are likely to be disease-causing. For these reasons, this variant has been classified as Pathogenic.

Myriad Genetics, Inc.
Classification: Likely pathogenic for Glutaric aciduria, type 1. Last evaluated: 2025-05-27. Review status: criteria provided, single submitter. Criteria: Myriad Autosomal Dominant, Autosomal Recessive and X-Linked Classification Criteria (2023). Collection method: clinical testing. Allele origin: unknown.
Comment: NM_000159.2(GCDH):c.640A>G(T214A) is a missense variant classified as likely pathogenic in the context of glutaric acidemia, GCDH-related. T214A has been observed in cases with relevant disease (PMID: 24332224, 22728054, Zhu_2022_(Article)). Relevant functional assessments of this variant are not available in the literature. Internal structural analysis of the variant is supportive of pathogenicity. T214A has not been observed in referenced population frequency databases. In summary, NM_000159.2(GCDH):c.640A>G(T214A) is a missense variant that has internal structural support for pathogenicity and has been observed more frequently in cases with the relevant disease than in healthy populations. Please note: this variant was assessed in the context of healthy population screening.

3billion
Classification: Uncertain significance for Glutaric aciduria, type 1. Last evaluated: 2025-02-10. Review status: criteria provided, single submitter. Criteria: ACMG Guidelines, 2015. Collection method: clinical testing. Allele origin: germline. Affected: yes.

Natera, Inc.
Classification: Likely pathogenic for Glutaric acidemia type 1. Last evaluated: 2024-06-29. Review status: criteria provided, single submitter. Criteria: Natera Variant Classification Schema (03/2026). Collection method: clinical testing. Allele origin: germline.
Comment: The c.640A>G variant in GCDH is a missense variant predicted to cause substitution of threonine to alanine at amino acid 214. This variant is rare in the general population with a frequency below the threshold expected for the associated phenotype(s). This variant has been observed in one or more individuals affected with the associated recessive disease, as either homozygous or compound heterozygous with a second variant (PMID: 22728054). A different variant at the same position has been determined to be Pathogenic or Likely Pathogenic. Computational prediction algorithms indicate this variant is likely to affect gene or protein function. Given the available evidence, this variant is classified as Likely Pathogenic.

Juno Genomics, Hangzhou Juno Genomics, Inc
Classification: Likely pathogenic for Glutaric aciduria, type 1. Review status: criteria provided, single submitter. Criteria: ACMG Guidelines, 2015. Collection method: clinical testing. Allele origin: germline.
Comment: Absent from controls (or at extremely low frequency if recessive) in Genome Aggregation Database.;Multiple lines of computational evidence support a deleterious effect on the gene or gene product.;For recessive disorders, detected in trans with a pathogenic variant.;Novel missense change at an amino acid residue where a different missense change determined to be pathogenic has been seen before.

Counsyl
Classification: Uncertain significance for Glutaric aciduria, type 1. Last evaluated: 2017-04-19. Review status: no assertion criteria provided. Collection method: clinical testing. Allele origin: unknown. Not counted in ClinVar's aggregate classification.

Literature cited by the submitters: PubMed 22728054 (cited by 3 submitters); PubMed 24332224 (cited by Labcorp Genetics (formerly Invitae), Labcorp and Counsyl); PubMed 19433437 (cited by Labcorp Genetics (formerly Invitae), Labcorp); PubMed 30217722 (cited by Labcorp Genetics (formerly Invitae), Labcorp); PubMed 29665094 (cited by 3billion).

NM_000159.4(GCDH):c.640A>G (p.Thr214Ala)

Gene: GCDH (glutaryl-CoA dehydrogenase; plus strand). Cytogenetic location: 19p13.13.
Variant type: single nucleotide variant.
Coding change: c.640A>G on transcript NM_000159.4 (MANE Select); coding-DNA position 640, A replaced by G.
Protein change: p.Thr214Ala; replaces threonine 214 with alanine.
Molecular consequence: missense variant. On other transcripts: non-coding transcript variant (1).
Genome position (GRCh38, 1-based): chr19:12,896,209, A>G. VCF-style: chr19-12896209-A-G. GRCh37 (hg19) VCF-style: chr19-13007023-A-G.
Other names: c.640A>G, p.Thr214Ala (NM_013976.5); c.640A>G (NM_000159.3); short protein forms T214A.
Identifiers: ClinVar variation 551561 (VCV000551561.13), dbSNP rs1468636851, ClinGen allele CA404318453.